The following is an entry in ClinVar:

NM_020975.6(RET):c.280C>G (p.Leu94Val)

Gene: RET (ret proto-oncogene; plus strand). Cytogenetic location: 10q11.21.
Variant type: single nucleotide variant.
Coding change: c.280C>G on transcript NM_020975.6 (MANE Select); coding-DNA position 280, C replaced by G.
Protein change: p.Leu94Val; replaces leucine 94 with valine.
Molecular consequence: missense variant.
Genome position (GRCh38, 1-based): chr10:43,100,665, C>G. VCF-style: chr10-43100665-C-G. GRCh37 (hg19) VCF-style: chr10-43596113-C-G.
Other names: c.280C>G, p.Leu94Val (NM_000323.2, NM_001406743.1, NM_001406744.1 and 34 more transcripts); short protein forms L94V.
Identifiers: ClinVar variation 972422 (VCV000972422.10), dbSNP rs1837621025, ClinGen allele CA376770477.

ClinVar aggregate classification (germline): Uncertain significance (1 of 4 stars; one submission).

Conditions:
Multiple endocrine neoplasia, type 2 (MEN2). Identifiers: Orphanet 653, MedGen C4048306, MONDO:0019003. Disease mechanism: gain of function.

Submission:

Labcorp Genetics (formerly Invitae), Labcorp
Classification: Uncertain significance for Multiple endocrine neoplasia, type 2. Last evaluated: 2019-10-24. Review status: criteria provided, single submitter. Criteria: Invitae Variant Classification Sherloc (09022015). Collection method: clinical testing. Allele origin: germline.
Comment: This sequence change replaces leucine with valine at codon 94 of the RET protein (p.Leu94Val). The leucine residue is weakly conserved and there is a small physicochemical difference between leucine and valine. This variant is not present in population databases (ExAC no frequency). In summary, the available evidence is currently insufficient to determine the role of this variant in disease. Therefore, it has been classified as a Variant of Uncertain Significance. Algorithms developed to predict the effect of missense changes on protein structure and function (SIFT, PolyPhen-2, Align-GVGD) all suggest that this variant is likely to be tolerated, but these predictions have not been confirmed by published functional studies and their clinical significance is uncertain. This variant has not been reported in the literature in individuals with RET-related conditions.